The following is an entry in ClinVar:

ClinVar aggregate classification (germline): Pathogenic/Likely pathogenic. Review status: criteria provided, multiple submitters, no conflicts (2 of 4 stars). 8 submissions from 8 submitters: Pathogenic (5); Likely pathogenic (1). 2 of the submissions do not count toward it. Last evaluated 2025-11-12.

Conditions:
Bardet-Biedl syndrome (BBS). Identifiers: Orphanet 110, MedGen C0752166, MONDO:0015229.
McKusick-Kaufman syndrome (MKKS). Also called: HYDROMETROCOLPOS SYNDROME; HYDROMETROCOLPOS, POSTAXIAL POLYDACTYLY, AND CONGENITAL HEART MALFORMATION. Identifiers: Orphanet 2473, MedGen C0948368, MONDO:0009367, OMIM 236700.
Retinal dystrophy. Also called: Inherited retinal dystrophy. Identifiers: Orphanet 71862, MedGen C0854723, MeSH D058499, MONDO:0019118, HP:0000556.
Bardet-Biedl syndrome 6 (BBS6). Identifiers: Orphanet 110, MedGen C1858054, MONDO:0011523, OMIM 605231.
MKKS-related disorder. Also called: MKKS-related condition; MKKS-related disorders.

Allele frequency attached by ClinVar (database versions not stated): ExAC 0.00002; gnomAD exomes 0.00002 and 0.00001; gnomAD 0.00001; TOPMed 0.00001.
gnomAD v4.1: 7 of 1,614,058 alleles (0.00043%); highest among the groups gnomAD compares: Admixed American, 0.0033%; no homozygotes.

Submissions (8):

PreventionGenetics, part of Exact Sciences
Classification: Pathogenic for MKKS-related condition. Last evaluated: 2025-11-12. Review status: criteria provided, single submitter. Criteria: ACMG Guidelines, 2015. Collection method: clinical testing. Allele origin: germline.
Comment: The MKKS c.1436C>G variant is predicted to result in premature protein termination (p.Ser479*). This variant has been reported in the homozygous state or with a second MKKS variant in individuals with Bardet-Biedl syndrome and nephronophthisis-related ciliopathies, and was shown to segregate with disease in one family (Hichri et al. 2005. PubMed ID: 15770229; Jeziorny et al. 2020. PubMed ID: 33138063; Table S3, Deutsch et al. 2023. PubMed ID: 38868576). This variant is reported in 0.0029% of alleles in individuals of Latino descent in gnomAD. Nonsense variants in MKKS are expected to be pathogenic. This variant is interpreted as pathogenic.

Laboratory of Genetics, Children's Clinical University Hospital Latvia
Classification: Pathogenic. Last evaluated: 2025-02-16. Review status: criteria provided, single submitter. Criteria: ACMG Guidelines, 2015. Collection method: clinical testing. Allele origin: germline. Affected: yes.

SingHealth Duke-NUS Institute of Precision Medicine
Classification: Likely pathogenic for Bardet-Biedl syndrome 6. Last evaluated: 2025-02-05. Review status: criteria provided, single submitter. Criteria: PRISM ACMG Classification Criteria. Collection method: clinical testing. Allele origin: germline. Affected: yes.
Comment: Variant is predicted to remove 16% of the protein; there are >10 pathogenic variants downstream of this variant (PVS1). Homozygous allele count in gnomAD exomes and genomes are less than 0 (PM2).

Labcorp Genetics (formerly Invitae), Labcorp
Classification: Pathogenic for McKusick-Kaufman syndrome; Bardet-Biedl syndrome. Last evaluated: 2024-01-30. Review status: criteria provided, single submitter. Criteria: Invitae Variant Classification Sherloc (09022015). Collection method: clinical testing. Allele origin: germline.
Comment: This sequence change creates a premature translational stop signal (p.Ser479*) in the MKKS gene. While this is not anticipated to result in nonsense mediated decay, it is expected to disrupt the last 92 amino acid(s) of the MKKS protein. This variant is present in population databases (rs753180214, gnomAD 0.003%). This premature translational stop signal has been observed in individual(s) with clinical features of Bardet-Biedl syndrome (PMID: 15770229, 33138063). In at least one individual the data is consistent with being in trans (on the opposite chromosome) from a pathogenic variant. It has also been observed to segregate with disease in related individuals. ClinVar contains an entry for this variant (Variation ID: 1297700). Algorithms developed to predict the effect of sequence changes on RNA splicing suggest that this variant may create or strengthen a splice site. For these reasons, this variant has been classified as Pathogenic.

Baylor Genetics
Classification: Pathogenic for Bardet-Biedl syndrome 6. Last evaluated: 2023-09-05. Review status: criteria provided, single submitter. Criteria: ACMG Guidelines, 2015. Collection method: clinical testing. Allele origin: unknown.

Institute of Human Genetics, Univ. Regensburg, Univ. Regensburg
Classification: Pathogenic for Retinal dystrophy. Last evaluated: 2011-01-01. Review status: criteria provided, single submitter. Criteria: ACMG Guidelines, 2015. Collection method: clinical testing. Allele origin: germline. Affected: yes.

Clinical Genetics DNA and cytogenetics Diagnostics Lab, Erasmus MC, Erasmus Medical Center
Classification: Pathogenic. Review status: no assertion criteria provided. Collection method: clinical testing. Allele origin: germline. Affected: yes. Study: VKGL Data-share Consensus. Not counted in ClinVar's aggregate classification.

Joint Genome Diagnostic Labs from Nijmegen and Maastricht, Radboudumc and MUMC+
Classification: Likely pathogenic. Review status: no assertion criteria provided. Collection method: clinical testing. Allele origin: germline. Affected: yes. Study: VKGL Data-share Consensus. Not counted in ClinVar's aggregate classification.

Literature cited by the submitters: PubMed 15770229 (cited by Labcorp Genetics (formerly Invitae), Labcorp and Institute of Human Genetics, Univ. Regensburg, Univ. Regensburg); PubMed 33138063 (cited by Labcorp Genetics (formerly Invitae), Labcorp and Institute of Human Genetics, Univ. Regensburg, Univ. Regensburg); PubMed 31964843 (cited by Institute of Human Genetics, Univ. Regensburg, Univ. Regensburg).

NM_170784.3(MKKS):c.1436C>G (p.Ser479Ter)

Gene: MKKS (MKKS centrosomal shuttling protein; minus strand). Cytogenetic location: 20p12.2.
Variant type: single nucleotide variant.
Coding change: c.1436C>G on transcript NM_170784.3 (MANE Select); coding-DNA position 1436, C replaced by G.
Protein change: p.Ser479Ter; replaces serine 479 with a stop codon.
Molecular consequence: nonsense. On other transcripts: non-coding transcript variant (1).
Genome position (GRCh38, 1-based): chr20:10,405,524, G>C on the plus strand (C>G on the coding strand, the complement: MKKS is on the minus strand). VCF-style: chr20-10405524-G-C. GRCh37 (hg19) VCF-style: chr20-10386172-G-C.
Other names: c.1436C>G, p.Ser479Ter (NM_018848.3); c.1436C>G (NM_170784.2); short protein forms S479*.
Identifiers: ClinVar variation 1297700 (VCV001297700.14), dbSNP rs753180214, ClinGen allele CA9763476.